The following is an entry in ClinVar:

NM_001204.7(BMPR2):c.*806C>T

Gene: BMPR2 (bone morphogenetic protein receptor type 2; plus strand). Cytogenetic location: 2q33.2.
Variant type: single nucleotide variant.
Coding change: c.*806C>T on transcript NM_001204.7 (MANE Select); 806 bases downstream of the stop codon, C replaced by T.
Molecular consequence: 3 prime UTR variant.
Genome position (GRCh38, 1-based): chr2:202,560,752, C>T. VCF-style: chr2-202560752-C-T. GRCh37 (hg19) VCF-style: chr2-203425475-C-T.
Other names: c.*806C>T (LRG_712t1).
Identifiers: ClinVar variation 333664 (VCV000333664.13), dbSNP rs6435156, ClinGen allele CA10613911.
Genomic context (GRCh38, chr2:202,560,752, plus strand): 5'-CCTGACTTGAAATGCCATTTCTTTTAACCTTCCAAATCCTAAATGTTTCCTTCAAGGCAT[C>T]TTAATAAACTTATTTGCTTCTGGTTTTGGGAGTTCATAAGAGAGAATAGAACAAAATACA-3'

ClinVar aggregate classification (germline): Benign. Review status: criteria provided, multiple submitters, no conflicts (2 of 4 stars). 3 submissions from 3 submitters: Benign (3). Last evaluated 2026-01-12.

Conditions:
Primary pulmonary hypertension. Also called: Idiopathic pulmonary hypertension. Identifiers: MedGen C0152171.
Pulmonary hypertension, primary, 1 (PPH1). Also called: Pulmonary hypertension, familial primary, 1, with or without HHT. Identifiers: Orphanet 422, MedGen C4552070, MONDO:0024533, OMIM 178600.

Allele frequency attached by ClinVar (database versions not stated): gnomAD exomes 0.28774; TOPMed 0.31928; gnomAD 0.31995 and 0.32263; 1000 Genomes Project 0.32788.
gnomAD v4.1: 48,534 of 152,400 alleles (32%); highest among the groups gnomAD compares: African/African-American, 48%; 8,565 homozygotes.

Submissions (3):

Labcorp Genetics (formerly Invitae), Labcorp
Classification: Benign for Primary pulmonary hypertension. Last evaluated: 2026-01-12. Review status: criteria provided, single submitter. Criteria: Invitae Variant Classification Sherloc (09022015). Collection method: clinical testing. Allele origin: germline.

Illumina Laboratory Services, Illumina
Classification: Benign for Pulmonary hypertension, primary, 1. Last evaluated: 2018-01-12. Review status: criteria provided, single submitter. Criteria: ICSL Variant Classification Criteria 13 December 2019. Collection method: clinical testing. Allele origin: germline.
Comment: This variant was observed in the ICSL laboratory as part of a predisposition screen in an ostensibly healthy population. It had not been previously curated by ICSL or reported in the Human Gene Mutation Database (HGMD: prior to June 1st, 2018), and was therefore a candidate for classification through an automated scoring system. Utilizing variant allele frequency, disease prevalence and penetrance estimates, and inheritance mode, an automated score was calculated to assess if this variant is too frequent to cause the disease. Based on the score and internal cut-off values, a variant classified as benign is not then subjected to further curation. The score for this variant resulted in a classification of benign for this disease.

Breakthrough Genomics
Classification: Benign. Review status: criteria provided, single submitter. Criteria: ACMG Guidelines, 2015. Collection method: not provided. Allele origin: germline. Inheritance: Autosomal dominant inheritance. Affected: yes.